The following is an entry in ClinVar:

ClinVar aggregate classification (germline): Likely benign (1 of 4 stars; one submission).

Conditions:
Xeroderma pigmentosum, group F (XPF). Also called: XERODERMA PIGMENTOSUM, COMPLEMENTATION GROUP F; XERODERMA PIGMENTOSUM VI; XP, GROUP F; ERCC4-Related Xeroderma Pigmentosum; XERODERMA PIGMENTOSUM, TYPE F; Xeroderma pigmentosum, type 6. Identifiers: MedGen C0268140, MONDO:0010215, OMIM 278760.

Allele frequency attached by ClinVar (database versions not stated): gnomAD exomes 0.00046; gnomAD 0.00284 and 0.00266; TOPMed 0.00286; 1000 Genomes Project 0.00240; 1000 Genomes Project 30x 0.00281.
gnomAD v4.1: 423 of 192,786 alleles (0.22%); highest among the groups gnomAD compares: African/African-American, 0.94%; 1 homozygote.

Submission:

Illumina Laboratory Services, Illumina
Classification: Likely benign for Xeroderma pigmentosum, group F. Last evaluated: 2018-01-12. Review status: criteria provided, single submitter. Criteria: ICSL Variant Classification Criteria 13 December 2019. Collection method: clinical testing. Allele origin: germline.
Comment: This variant was observed in the ICSL laboratory as part of a predisposition screen in an ostensibly healthy population. It had not been previously curated by ICSL or reported in the Human Gene Mutation Database (HGMD: prior to June 1st, 2018), and was therefore a candidate for classification through an automated scoring system. Utilizing variant allele frequency, disease prevalence and penetrance estimates, and inheritance mode, an automated score was calculated to assess if this variant is too frequent to cause the disease. Based on the score and internal cut-off values, a variant classified as likely benign is not then subjected to further curation. The score for this variant resulted in a classification of likely benign for this disease.

NM_005236.3(ERCC4):c.*2139A>C

Gene: ERCC4 (ERCC excision repair 4, endonuclease catalytic subunit; plus strand). Cytogenetic location: 16p13.12.
Variant type: single nucleotide variant.
Coding change: c.*2139A>C on transcript NM_005236.3 (MANE Select); 2139 bases downstream of the stop codon, A replaced by C.
Molecular consequence: 3 prime UTR variant.
Genome position (GRCh38, 1-based): chr16:13,950,486, A>C. VCF-style: chr16-13950486-A-C. GRCh37 (hg19) VCF-style: chr16-14044343-A-C.
Identifiers: ClinVar variation 317851 (VCV000317851.5), dbSNP rs140019040, ClinGen allele CA10637072.